The following is an entry in ClinVar:

NM_002098.6(GUCA1B):c.359G>A (p.Gly120Glu)

Gene: GUCA1B (guanylate cyclase activator 1B; minus strand). Cytogenetic location: 6p21.1.
Variant type: single nucleotide variant.
Coding change: c.359G>A on transcript NM_002098.6 (MANE Select); coding-DNA position 359, G replaced by A.
Protein change: p.Gly120Glu; replaces glycine 120 with glutamic acid.
Molecular consequence: missense variant.
Genome position (GRCh38, 1-based): chr6:42,185,796, C>T on the plus strand (G>A on the coding strand, the complement: GUCA1B is on the minus strand). VCF-style: chr6-42185796-C-T. GRCh37 (hg19) VCF-style: chr6-42153534-C-T.
Other names: short protein forms G120E.
Identifiers: ClinVar variation 2140384 (VCV002140384.4), dbSNP rs139823805, ClinGen allele CA3805570.

ClinVar aggregate classification (germline): Uncertain significance (1 of 4 stars; one submission).

Allele frequency attached by ClinVar (database versions not stated): ExAC 0.00001; gnomAD exomes 0.00002; TOPMed 0.00002; gnomAD 0.00003.

Submission:

Labcorp Genetics (formerly Invitae), Labcorp
Classification: Uncertain significance. Last evaluated: 2023-10-09. Review status: criteria provided, single submitter. Criteria: Invitae Variant Classification Sherloc (09022015). Collection method: clinical testing. Allele origin: germline.
Comment: This sequence change replaces glycine, which is neutral and non-polar, with glutamic acid, which is acidic and polar, at codon 120 of the GUCA1B protein (p.Gly120Glu). This variant is present in population databases (rs139823805, gnomAD no frequency). This variant has not been reported in the literature in individuals affected with GUCA1B-related conditions. ClinVar contains an entry for this variant (Variation ID: 2140384). An algorithm developed to predict the effect of missense changes on protein structure and function (PolyPhen-2) suggests that this variant is likely to be tolerated. In summary, the available evidence is currently insufficient to determine the role of this variant in disease. Therefore, it has been classified as a Variant of Uncertain Significance.